The following is an entry in ClinVar:

ClinVar aggregate classification (germline): Uncertain significance (1 of 4 stars; one submission).

Submission:

GeneDx
Classification: Uncertain significance. Last evaluated: 2025-01-30. Review status: criteria provided, single submitter. Criteria: GeneDx Variant Classification Process June 2021. Collection method: clinical testing. Allele origin: germline. Affected: yes.
Comment: Not observed at significant frequency in large population cohorts (gnomAD); In silico analysis indicates that this missense variant does not alter protein structure/function; Has not been previously published as pathogenic or benign to our knowledge

NM_001330574.2(ZNF711):c.1415A>G (p.Lys472Arg)

Gene: ZNF711 (zinc finger protein 711; plus strand). Cytogenetic location: Xq21.1.
Variant type: single nucleotide variant.
Coding change: c.1415A>G on transcript NM_001330574.2 (MANE Select); coding-DNA position 1415, A replaced by G.
Protein change: p.Lys472Arg; replaces lysine 472 with arginine.
Molecular consequence: missense variant.
Genome position (GRCh38, 1-based): chrX:85,270,819, A>G. VCF-style: chrX-85270819-A-G. GRCh37 (hg19) VCF-style: chrX-84525825-A-G.
Other names: c.1415A>G, p.Lys472Arg (NM_001375431.1, NM_001375432.1, NM_001375433.1); c.1277A>G, p.Lys426Arg (NM_001375434.1, NM_001375435.1, NM_001375436.1 and 2 more transcripts); short protein forms K426R, K472R.
Identifiers: ClinVar variation 4072640 (VCV004072640.1).